The following is an entry in ClinVar:

NM_017671.5(FERMT1):c.1383C>T (p.Tyr461=)

Gene: FERMT1 (FERM domain containing kindlin 1; minus strand). Cytogenetic location: 20p12.3.
Variant type: single nucleotide variant.
Coding change: c.1383C>T on transcript NM_017671.5 (MANE Select); coding-DNA position 1383, C replaced by T.
Protein change: p.Tyr461=; no amino-acid change (tyrosine 461 retained).
Molecular consequence: synonymous variant.
Genome position (GRCh38, 1-based): chr20:6,085,276, G>A on the plus strand (C>T on the coding strand, the complement: FERMT1 is on the minus strand). VCF-style: chr20-6085276-G-A. GRCh37 (hg19) VCF-style: chr20-6065923-G-A.
Identifiers: ClinVar variation 897836 (VCV000897836.13), dbSNP rs142328166, ClinGen allele CA9758144.

ClinVar aggregate classification (germline): Benign/Likely benign. Review status: criteria provided, multiple submitters, no conflicts (2 of 4 stars). 3 submissions from 3 submitters: Benign (1); Likely benign (2). Last evaluated 2025-11-10.

Conditions:
Kindler syndrome (KNDLRS). Also called: Poikiloderma of Kindler; Congenital bullous poikiloderma; BULLOUS ACROKERATOTIC POIKILODERMA OF KINDLER AND WEARY; POIKILODERMA, CONGENITAL, WITH BULLAE, WEARY TYPE; POIKILODERMA, HEREDITARY ACROKERATOTIC; Hereditary acrokeratotic poikiloderma of Weary. Identifiers: Orphanet 2908, Orphanet 306539, MedGen C0406557, MONDO:0008260, OMIM 173650.

Allele frequency attached by ClinVar (database versions not stated): gnomAD exomes 0.00041; ExAC 0.00045; 1000 Genomes Project 30x 0.00109; 1000 Genomes Project 0.00120; gnomAD 0.00139 and 0.00150; ESP Exome Variant Server 0.00154; TOPMed 0.00168.
gnomAD v4.1: 469 of 1,613,418 alleles (0.029%); highest among the groups gnomAD compares: African/African-American, 0.5%; 1 homozygote.

Submissions (3):

Labcorp Genetics (formerly Invitae), Labcorp
Classification: Benign. Last evaluated: 2025-11-10. Review status: criteria provided, single submitter. Criteria: Invitae Variant Classification Sherloc (09022015). Collection method: clinical testing. Allele origin: germline.

Illumina Laboratory Services, Illumina
Classification: Likely benign for Kindler syndrome. Last evaluated: 2017-09-12. Review status: criteria provided, single submitter. Criteria: ICSL Variant Classification Criteria 13 December 2019. Collection method: clinical testing. Allele origin: germline.
Comment: This variant was observed as part of a predisposition screen in an ostensibly healthy population. A literature search was performed for the gene, cDNA change, and amino acid change (where applicable). Publications were found based on this search. The evidence from the literature, in combination with allele frequency data from public databases where available, was sufficient to determine this variant is unlikely to cause disease. Therefore, this variant is classified as likely benign.

Breakthrough Genomics
Classification: Likely benign. Review status: criteria provided, single submitter. Criteria: ACMG Guidelines, 2015. Collection method: not provided. Allele origin: germline. Inheritance: Autosomal recessive inheritance. Affected: yes.

Literature cited by the submitters: PubMed 25599393 (cited by Illumina Laboratory Services, Illumina).